The following is an entry in ClinVar:

NM_019098.5(CNGB3):c.192_195dup (p.His66fs)

Gene: CNGB3 (cyclic nucleotide gated channel subunit beta 3; minus strand). Cytogenetic location: 8q21.3.
Variant type: Duplication.
Coding change: c.192_195dup on transcript NM_019098.5 (MANE Select); coding-DNA positions 192 to 195, 4 bases duplicated (GCCA; older notation c.192_195dupGCCA).
Protein change: p.His66fs; shifts the reading frame from histidine 66.
Molecular consequence: frameshift variant.
Genome position (GRCh38, 1-based): chr8:86,739,671-86,739,674, TGGC duplicated on the plus strand (GCCA on the coding strand, the reverse complement: CNGB3 is on the minus strand); duplicating any 4 consecutive bases within chr8:86,739,671-86,739,675 gives the same sequence; the c. name uses the placement nearest the transcript's 3' end. VCF-style (leftmost placement, unchanged base first): chr8-86739670-G-GTGGC. GRCh37 (hg19) VCF-style: chr8-87751898-G-GTGGC.
Other names: short protein forms H66fs.
Identifiers: ClinVar variation 852227 (VCV000852227.7), dbSNP rs1825308382, ClinGen allele CA916083005.

ClinVar aggregate classification (germline): Pathogenic (1 of 4 stars; one submission).

Submission:

Labcorp Genetics (formerly Invitae), Labcorp
Classification: Pathogenic. Last evaluated: 2019-01-03. Review status: criteria provided, single submitter. Criteria: Invitae Variant Classification Sherloc (09022015). Collection method: clinical testing. Allele origin: germline.
Comment: For these reasons, this variant has been classified as Pathogenic. Loss-of-function variants in CNGB3 are known to be pathogenic (PMID: 15657609). This variant has not been reported in the literature in individuals with CNGB3-related conditions. This variant is not present in population databases (ExAC no frequency). This sequence change creates a premature translational stop signal (p.His66Alafs*23) in the CNGB3 gene. It is expected to result in an absent or disrupted protein product.

Literature cited by the submitters: PubMed 15657609.